The following is an entry in ClinVar:

ClinVar aggregate classification (germline): Conflicting classifications of pathogenicity. Review status: criteria provided, conflicting classifications (1 of 4 stars). 4 submissions from 4 submitters: Likely pathogenic (1); Uncertain significance (3). Last evaluated 2026-04-04.

Conditions:
Rare genetic deafness. Identifiers: Orphanet 96210, MedGen C5680250.
Hearing impairment. Also called: Impaired Hearing. Identifiers: MedGen C1384666, MONDO:0005365, HP:0000365.

Allele frequency attached by ClinVar (database versions not stated): gnomAD exomes below 0.00001; TOPMed below 0.00001.
gnomAD v4.1: 1 of 1,613,956 alleles (0.000062%); highest among the groups gnomAD compares: Non-Finnish European, 0.000085%; no homozygotes.

Submissions (4):

GeneDx
Classification: Uncertain significance. Last evaluated: 2026-04-04. Review status: criteria provided, single submitter. Criteria: GeneDx Variant Classification Process June 2021. Collection method: clinical testing. Allele origin: germline.
Comment: Not observed at significant frequency in large population cohorts (gnomAD); In silico analysis supports that this missense variant has a deleterious effect on protein structure/function; Has not been previously published as pathogenic or benign to our knowledge

Women's Health and Genetics/Laboratory Corporation of America, LabCorp
Classification: Uncertain significance. Last evaluated: 2024-11-26. Review status: criteria provided, single submitter. Criteria: LabCorp Variant Classification Summary - May 2015. Collection method: clinical testing. Allele origin: germline.

Cambridge Genomics Laboratory, East Genomic Laboratory Hub, NHS Genomic Medicine Service
Classification: Uncertain significance for Hearing impairment. Last evaluated: 2020-03-31. Review status: criteria provided, single submitter. Criteria: ACGS Best Practice Guidelines for Variant Classification in Rare Disease 2020. Collection method: clinical testing. Allele origin: germline. Affected: yes. Observed: 1 variant allele.

Laboratory for Molecular Medicine, Mass General Brigham Personalized Medicine
Classification: Likely pathogenic for Rare genetic deafness. Last evaluated: 2011-09-17. Review status: criteria provided, single submitter. Criteria: LMM Criteria. Collection method: clinical testing. Allele origin: germline. Inheritance: Autosomal recessive inheritance. Observed: 2 variant alleles.
Comment: The Leu196Pro variant in MYO7A has not been reported in the literature nor previ ously identified by our laboratory in any other families. This residue is conser ved across species and computational analyses (PolyPhen2, SIFT) suggest that the Leu196Pro variant may impact the protein. In summary, this variant is likely to be pathogenic.

NM_000260.4(MYO7A):c.587T>C (p.Leu196Pro)

Gene: MYO7A (myosin VIIA; plus strand). Cytogenetic location: 11q13.5.
Variant type: single nucleotide variant.
Coding change: c.587T>C on transcript NM_000260.4 (MANE Select); coding-DNA position 587, T replaced by C.
Protein change: p.Leu196Pro; replaces leucine 196 with proline.
Molecular consequence: missense variant.
Genome position (GRCh38, 1-based): chr11:77,156,776, T>C. VCF-style: chr11-77156776-T-C. GRCh37 (hg19) VCF-style: chr11-76867822-T-C.
Other names: c.587T>C, p.Leu196Pro (NM_001127180.2); c.554T>C, p.Leu185Pro (NM_001369365.1); short protein forms L196P, L185P.
Identifiers: ClinVar variation 43306 (VCV000043306.9), dbSNP rs397516324, ClinGen allele CA278696.